The following is an entry in ClinVar:

NM_014244.5(ADAMTS2):c.1776C>A (p.His592Gln)

Gene: ADAMTS2 (ADAM metallopeptidase with thrombospondin type 1 motif 2; minus strand). Cytogenetic location: 5q35.3.
Variant type: single nucleotide variant.
Coding change: c.1776C>A on transcript NM_014244.5 (MANE Select); coding-DNA position 1776, C replaced by A.
Protein change: p.His592Gln; replaces histidine 592 with glutamine.
Molecular consequence: missense variant.
Genome position (GRCh38, 1-based): chr5:179,137,944, G>T on the plus strand (C>A on the coding strand, the complement: ADAMTS2 is on the minus strand). VCF-style: chr5-179137944-G-T. GRCh37 (hg19) VCF-style: chr5-178564945-G-T.
Other names: short protein forms H592Q.
Identifiers: ClinVar variation 573118 (VCV000573118.8), dbSNP rs1561773783, ClinGen allele CA362427153.

ClinVar aggregate classification (germline): Uncertain significance. Review status: criteria provided, multiple submitters, no conflicts (2 of 4 stars). 3 submissions from 3 submitters: Uncertain significance (2). 1 of the submissions does not count toward it. Last evaluated 2025-09-02.

Conditions:
Ehlers-Danlos syndrome, dermatosparaxis type. Also called: EDS VIIC; Ehlers-Danlos syndrome, type VII, autosomal recessive; Dermatosparaxis. Identifiers: Orphanet 1901, MedGen C2700425, MONDO:0009161, OMIM 225410.

Allele frequency attached by ClinVar (database versions not stated): gnomAD exomes below 0.00001.
gnomAD v4.1: 2 of 1,545,106 alleles (0.00013%); highest among the groups gnomAD compares: Non-Finnish European, 0.00017%; no homozygotes.

Submissions (3):

Myriad Genetics, Inc.
Classification: Uncertain significance for Ehlers-Danlos syndrome, dermatosparaxis type. Last evaluated: 2025-09-02. Review status: criteria provided, single submitter. Criteria: Myriad Autosomal Dominant, Autosomal Recessive and X-Linked Classification Criteria (2023). Collection method: clinical testing. Allele origin: unknown.
Comment: NM_014244.4(ADAMTS2):c.1776C>A(H592Q) is a missense variant classified as a variant of uncertain significance in the context of Ehlers-Danlos syndrome, ADAMTS2-related. H592Q has not been observed in cases with relevant disease. Relevant functional assessments of this variant are not available in the literature. H592Q has not been observed in referenced population frequency databases. In summary, there is insufficient evidence to classify NM_014244.4(ADAMTS2):c.1776C>A(H592Q) as pathogenic or benign. Please note: this variant was assessed in the context of healthy population screening.

Labcorp Genetics (formerly Invitae), Labcorp
Classification: Uncertain significance for Ehlers-Danlos syndrome, dermatosparaxis type. Last evaluated: 2021-11-26. Review status: criteria provided, single submitter. Criteria: Invitae Variant Classification Sherloc (09022015). Collection method: clinical testing. Allele origin: germline.
Comment: This sequence change replaces histidine, which is basic and polar, with glutamine, which is neutral and polar, at codon 592 of the ADAMTS2 protein (p.His592Gln). This variant is not present in population databases (gnomAD no frequency). This variant has not been reported in the literature in individuals affected with ADAMTS2-related conditions. ClinVar contains an entry for this variant (Variation ID: 573118). Algorithms developed to predict the effect of missense changes on protein structure and function are either unavailable or do not agree on the potential impact of this missense change (SIFT: "Deleterious"; PolyPhen-2: "Possibly Damaging"; Align-GVGD: "Class C15"). In summary, the available evidence is currently insufficient to determine the role of this variant in disease. Therefore, it has been classified as a Variant of Uncertain Significance.

Natera, Inc.
Classification: Uncertain significance for Ehlers-Danlos syndrome type VIIC. Last evaluated: 2021-03-15. Review status: no assertion criteria provided. Collection method: clinical testing. Allele origin: germline. Not counted in ClinVar's aggregate classification.